The following is an entry in ClinVar:

ClinVar aggregate classification (germline): Uncertain significance (1 of 4 stars; one submission).

Submission:

Labcorp Genetics (formerly Invitae), Labcorp
Classification: Uncertain significance. Last evaluated: 2026-01-11. Review status: criteria provided, single submitter. Criteria: Invitae Variant Classification Sherloc (09022015). Collection method: clinical testing. Allele origin: germline.
Comment: This sequence change replaces aspartic acid, which is acidic and polar, with asparagine, which is neutral and polar, at codon 253 of the SUCO protein (p.Asp253Asn). This variant is not present in population databases (gnomAD no frequency). This variant has not been reported in the literature in individuals affected with SUCO-related conditions. An algorithm developed to predict the effect of missense changes on protein structure and function (PolyPhen-2) suggests that this variant is likely to be tolerated. In summary, the available evidence is currently insufficient to determine the role of this variant in disease. Therefore, it has been classified as a Variant of Uncertain Significance.

NM_014283.5(SUCO):c.757G>A (p.Asp253Asn)

Gene: SUCO (SUN domain containing ossification factor; plus strand). Cytogenetic location: 1q24.3.
Variant type: single nucleotide variant.
Coding change: c.757G>A on transcript NM_014283.5 (MANE Select); coding-DNA position 757, G replaced by A.
Protein change: p.Asp253Asn; replaces aspartic acid 253 with asparagine.
Molecular consequence: missense variant. On other transcripts: 5 prime UTR variant (1).
Genome position (GRCh38, 1-based): chr1:172,569,043, G>A. VCF-style: chr1-172569043-G-A. GRCh37 (hg19) VCF-style: chr1-172538183-G-A.
Other names: c.646G>A, p.Asp216Asn (NM_001282750.2); c.-773G>A (NM_001282751.2); c.1231G>A, p.Asp411Asn (NM_016227.4); short protein forms D216N, D411N, D253N.
Identifiers: ClinVar variation 4734705 (VCV004734705.1).